The following is an entry in ClinVar:

ClinVar aggregate classification (germline): Uncertain significance (1 of 4 stars; one submission).

Allele frequency attached by ClinVar (database versions not stated): gnomAD exomes below 0.00001 and 0.00001; ExAC 0.00001; gnomAD 0.00002 and 0.00004; TOPMed 0.00003; ESP Exome Variant Server 0.00008.
gnomAD v4.1: 17 of 1,611,884 alleles (0.0011%); highest among the groups gnomAD compares: Non-Finnish European, 0.0014%; no homozygotes.

Submission:

Labcorp Genetics (formerly Invitae), Labcorp
Classification: Uncertain significance. Last evaluated: 2024-07-01. Review status: criteria provided, single submitter. Criteria: Invitae Variant Classification Sherloc (09022015). Collection method: clinical testing. Allele origin: germline.
Comment: This sequence change replaces valine, which is neutral and non-polar, with glycine, which is neutral and non-polar, at codon 108 of the LONP1 protein (p.Val108Gly). This variant is present in population databases (rs368521347, gnomAD 0.01%). This variant has not been reported in the literature in individuals affected with LONP1-related conditions. ClinVar contains an entry for this variant (Variation ID: 1414089). An algorithm developed to predict the effect of missense changes on protein structure and function (PolyPhen-2) suggests that this variant is likely to be tolerated. In summary, the available evidence is currently insufficient to determine the role of this variant in disease. Therefore, it has been classified as a Variant of Uncertain Significance.

NM_004793.4(LONP1):c.323T>G (p.Val108Gly)

Genes: LONP1 (lon peptidase 1, mitochondrial; minus strand), LOC130063270 (ATAC-STARR-seq lymphoblastoid silent region 9931; plus strand). Cytogenetic location: 19p13.3.
Variant type: single nucleotide variant.
Coding change: c.323T>G on transcript NM_004793.4 (MANE Select); coding-DNA position 323, T replaced by G.
Protein change: p.Val108Gly; replaces valine 108 with glycine.
Molecular consequence: missense variant. On other transcripts: non-coding transcript variant (1), intron variant (1).
Genome position (GRCh38, 1-based): chr19:5,719,810, A>C on the plus strand (T>G on the coding strand, the complement: LONP1 is on the minus strand). VCF-style: chr19-5719810-A-C. GRCh37 (hg19) VCF-style: chr19-5719821-A-C.
Other names: c.131T>G, p.Val44Gly (NM_001276479.2); c.-160+409T>G (NM_001276480.1); short protein forms V44G, V108G.
Identifiers: ClinVar variation 1414089 (VCV001414089.6), dbSNP rs368521347, ClinGen allele CA9115176.